The following is an entry in ClinVar:

ClinVar aggregate classification (germline): Uncertain significance. Review status: criteria provided, multiple submitters, no conflicts (2 of 4 stars). 2 submissions from 2 submitters: Uncertain significance (2). Last evaluated 2026-01-24.

Conditions:
Candidiasis, familial, 9 (CANDF9). Identifiers: Orphanet 1334, MedGen C4225324, MONDO:0014642, OMIM 616445.

Allele frequency attached by ClinVar (database versions not stated): ExAC 0.00002; gnomAD exomes 0.00005; TOPMed 0.00006; gnomAD 0.00007; ESP Exome Variant Server 0.00008.
gnomAD v4.1: 94 of 1,614,134 alleles (0.0058%); highest among the groups gnomAD compares: Middle Eastern, 0.033%; no homozygotes.

Submissions (2):

Labcorp Genetics (formerly Invitae), Labcorp
Classification: Uncertain significance for Candidiasis, familial, 9. Last evaluated: 2026-01-24. Review status: criteria provided, single submitter. Criteria: Invitae Variant Classification Sherloc (09022015). Collection method: clinical testing. Allele origin: germline.
Comment: This sequence change replaces alanine, which is neutral and non-polar, with valine, which is neutral and non-polar, at codon 551 of the IL17RC protein (p.Ala551Val). This variant is present in population databases (rs151155686, gnomAD 0.006%). This variant has not been reported in the literature in individuals affected with IL17RC-related conditions. ClinVar contains an entry for this variant (Variation ID: 475923). An algorithm developed to predict the effect of missense changes on protein structure and function (PolyPhen-2) suggests that this variant is likely to be disruptive. In summary, the available evidence is currently insufficient to determine the role of this variant in disease. Therefore, it has been classified as a Variant of Uncertain Significance.

Ambry Genetics
Classification: Uncertain significance. Last evaluated: 2025-05-21. Review status: criteria provided, single submitter. Criteria: Ambry Variant Classification Scheme 2023. Collection method: clinical testing. Allele origin: germline.

NM_153460.4(IL17RC):c.1439C>T (p.Ala480Val)

Gene: IL17RC (interleukin 17 receptor C; plus strand). Cytogenetic location: 3p25.3.
Variant type: single nucleotide variant.
Coding change: c.1439C>T on transcript NM_153460.4 (MANE Select); coding-DNA position 1439, C replaced by T.
Protein change: p.Ala480Val; replaces alanine 480 with valine.
Molecular consequence: missense variant. On other transcripts: non-coding transcript variant (1).
Genome position (GRCh38, 1-based): chr3:9,932,659, C>T. VCF-style: chr3-9932659-C-T. GRCh37 (hg19) VCF-style: chr3-9974343-C-T.
Other names: c.1439C>T, p.Ala480Val (NM_001203263.2); c.1388C>T, p.Ala463Val (NM_001203264.2); c.1343C>T, p.Ala448Val (NM_001203265.2); c.1400C>T, p.Ala467Val (NM_001367278.1); c.1319C>T, p.Ala440Val (NM_001367279.1); c.1394C>T, p.Ala465Val (NM_001367280.1, NM_032732.6); c.1652C>T, p.Ala551Val (NM_153461.4); short protein forms A551V, A480V, A448V, A465V, A463V, A440V, A467V.
Identifiers: ClinVar variation 475923 (VCV000475923.9), dbSNP rs151155686, ClinGen allele CA2247280.